The following is an entry in ClinVar:

ClinVar aggregate classification (germline): Uncertain significance (1 of 4 stars; one submission).

Conditions:
Inborn genetic diseases. Identifiers: MedGen C0950123, MeSH D030342.

Submission:

Ambry Genetics
Classification: Uncertain significance for Inborn genetic diseases. Last evaluated: 2026-07-28. Review status: criteria provided, single submitter. Criteria: Ambry Variant Classification Scheme 2023. Collection method: clinical testing. Allele origin: germline.
Comment: The p.E39D variant (also known as c.117A>C), located in coding exon 2 of the HAX1 gene, results from an A to C substitution at nucleotide position 117. The glutamic acid at codon 39 is replaced by aspartic acid, an amino acid with highly similar properties. This amino acid position is conserved. In addition, this alteration is predicted to be tolerated by in silico analysis. Based on the available evidence, the clinical significance of this variant remains unclear.

NM_006118.4(HAX1):c.117A>C (p.Glu39Asp)

Gene: HAX1 (HCLS1 associated protein X-1; plus strand). Cytogenetic location: 1q21.3.
Variant type: single nucleotide variant.
Coding change: c.117A>C on transcript NM_006118.4 (MANE Select); coding-DNA position 117, A replaced by C.
Protein change: p.Glu39Asp; replaces glutamic acid 39 with aspartic acid.
Molecular consequence: missense variant. On other transcripts: intron variant (1).
Genome position (GRCh38, 1-based): chr1:154,273,399, A>C. VCF-style: chr1-154273399-A-C. GRCh37 (hg19) VCF-style: chr1-154245875-A-C.
Other names: c.54-81A>C (NM_001018837.2); short protein forms E39D.
Identifiers: ClinVar variation 5022583 (VCV005022583.1).